The following is an entry in ClinVar:

ClinVar aggregate classification (germline): Likely pathogenic (1 of 4 stars; one submission).

Conditions:
Ciliopathy. Also called: Ciliopathies. Identifiers: Orphanet 363250, MedGen C4277690, MONDO:0005308, MeSH D000072661.

gnomAD v4.1: 1 of 1,613,888 alleles (0.000062%); highest among the groups gnomAD compares: Non-Finnish European, 0.000085%; no homozygotes.

Submission:

Myriad Genetics, Inc.
Classification: Likely pathogenic for Ciliopathy. Last evaluated: 2022-03-09. Review status: criteria provided, single submitter. Criteria: Myriad Autosomal Dominant, Autosomal Recessive and X-Linked Classification Criteria (2023). Collection method: clinical testing. Allele origin: unknown.
Comment: NM_017777.3(MKS1):c.1009G>T(E337*) is expected to be pathogenic in the context of MKS1-related disorders. This variant is predicted to lead to an abnormal or absent protein product due to the creation of a premature termination codon in MKS1, a gene where loss-of-function variants are known to be pathogenic. Please note: this variant was assessed in the context of healthy population screening.

NM_017777.4(MKS1):c.1009G>T (p.Glu337Ter)

Gene: MKS1 (MKS transition zone complex subunit 1; minus strand). Cytogenetic location: 17q22.
Variant type: single nucleotide variant.
Coding change: c.1009G>T on transcript NM_017777.4 (MANE Select); coding-DNA position 1009, G replaced by T.
Protein change: p.Glu337Ter; replaces glutamic acid 337 with a stop codon.
Molecular consequence: nonsense.
Genome position (GRCh38, 1-based): chr17:58,210,674, C>A on the plus strand (G>T on the coding strand, the complement: MKS1 is on the minus strand). VCF-style: chr17-58210674-C-A. GRCh37 (hg19) VCF-style: chr17-56288035-C-A.
Other names: c.400G>T, p.Glu134Ter (NM_001321268.2); c.1009G>T, p.Glu337Ter (NM_001321269.2, NM_001330397.2, NM_001411113.1); short protein forms E134*, E337*.
Identifiers: ClinVar variation 1725135 (VCV001725135.3), dbSNP rs745789469, ClinGen allele CA400325969.